The following is an entry in ClinVar:

ClinVar aggregate classification (germline): Pathogenic (1 of 4 stars; one submission).

Submission:

Foulkes Cancer Genetics LDI, Lady Davis Institute for Medical Research
Classification: Pathogenic. Last evaluated: 2019-07-01. Review status: criteria provided, single submitter. Criteria: ACMG Guidelines, 2015. Collection method: curation. Allele origin: somatic. Affected: yes. Observed: 1 variant allele.
Comment: ACMG criteria met: PVS1, PM2, PP3,

Literature cited by the submitters: PubMed 26099045.

NM_177438.3(DICER1):c.3860C>G (p.Ser1287Ter)

Gene: DICER1 (dicer 1, ribonuclease III; minus strand). Cytogenetic location: 14q32.13.
Variant type: single nucleotide variant.
Coding change: c.3860C>G on transcript NM_177438.3 (MANE Select); coding-DNA position 3860, C replaced by G.
Protein change: p.Ser1287Ter; replaces serine 1287 with a stop codon.
Molecular consequence: nonsense.
Genome position (GRCh38, 1-based): chr14:95,103,536, G>C on the plus strand (C>G on the coding strand, the complement: DICER1 is on the minus strand). VCF-style: chr14-95103536-G-C. GRCh37 (hg19) VCF-style: chr14-95569873-G-C.
Other names: c.3860C>G, p.Ser1287Ter (NM_001195573.1, NM_001271282.3, NM_001291628.2 and 1 more transcripts); short protein forms S1287*.
Identifiers: ClinVar variation 933026 (VCV000933026.2), dbSNP rs1263628434, ClinGen allele CA390873293.